The following is an entry in ClinVar:

ClinVar aggregate classification (germline): Uncertain significance (1 of 4 stars; one submission).

Conditions:
Inborn genetic diseases. Identifiers: MedGen C0950123, MeSH D030342.

Submission:

Ambry Genetics
Classification: Uncertain significance for Inborn genetic diseases. Last evaluated: 2026-07-22. Review status: criteria provided, single submitter. Criteria: Ambry Variant Classification Scheme 2023. Collection method: clinical testing. Allele origin: germline.
Comment: The p.M84I variant (also known as c.252G>A), located in coding exon 2 of the GATA2 gene, results from a G to A substitution at nucleotide position 252. The methionine at codon 84 is replaced by isoleucine, an amino acid with highly similar properties. This amino acid position is conserved. In addition, the in silico prediction for this alteration is inconclusive. Based on the available evidence, the clinical significance of this variant remains unclear.

NM_032638.5(GATA2):c.252G>A (p.Met84Ile)

Gene: GATA2 (GATA binding protein 2; minus strand). Cytogenetic location: 3q21.3.
Variant type: single nucleotide variant.
Coding change: c.252G>A on transcript NM_032638.5 (MANE Select); coding-DNA position 252, G replaced by A.
Protein change: p.Met84Ile; replaces methionine 84 with isoleucine.
Molecular consequence: missense variant.
Genome position (GRCh38, 1-based): chr3:128,486,346, C>T on the plus strand (G>A on the coding strand, the complement: GATA2 is on the minus strand). VCF-style: chr3-128486346-C-T. GRCh37 (hg19) VCF-style: chr3-128205189-C-T.
Other names: c.252G>A, p.Met84Ile (NM_001145661.2, NM_001145662.1); short protein forms M84I.
Identifiers: ClinVar variation 5022219 (VCV005022219.1).